The following is an entry in ClinVar:

NM_004304.5(ALK):c.619G>A (p.Ala207Thr)

Gene: ALK (ALK receptor tyrosine kinase; minus strand). Cytogenetic location: 2p23.1.
Variant type: single nucleotide variant.
Coding change: c.619G>A on transcript NM_004304.5 (MANE Select); coding-DNA position 619, G replaced by A.
Protein change: p.Ala207Thr; replaces alanine 207 with threonine.
Molecular consequence: missense variant.
Genome position (GRCh38, 1-based): chr2:29,920,041, C>T on the plus strand (G>A on the coding strand, the complement: ALK is on the minus strand). VCF-style: chr2-29920041-C-T. GRCh37 (hg19) VCF-style: chr2-30142907-C-T.
Other names: short protein forms A207T.
Identifiers: ClinVar variation 4672297 (VCV004672297.1).

ClinVar aggregate classification (germline): Uncertain significance (1 of 4 stars; one submission).

Conditions:
Hereditary cancer-predisposing syndrome. Also called: Neoplastic Syndromes, Hereditary; Tumor predisposition; Hereditary Cancer Syndrome; Hereditary neoplastic syndrome. Identifiers: Orphanet 140162, MedGen C0027672, MeSH D009386, MONDO:0015356.

Submission:

Ambry Genetics
Classification: Uncertain significance for Hereditary cancer-predisposing syndrome. Last evaluated: 2025-10-10. Review status: criteria provided, single submitter. Criteria: Ambry Variant Classification Scheme 2023. Collection method: clinical testing. Allele origin: germline.
Comment: The p.A207T variant (also known as c.619G>A), located in coding exon 1 of the ALK gene, results from a G to A substitution at nucleotide position 619. The alanine at codon 207 is replaced by threonine, an amino acid with similar properties. This amino acid position is highly conserved in available vertebrate species. In addition, this alteration is predicted to be deleterious by in silico analysis. Based on the available evidence, the clinical significance of this variant remains unclear.